The following is an entry in ClinVar:

ClinVar aggregate classification (germline): Uncertain significance (1 of 4 stars; one submission).

Conditions:
Lafora disease. Also called: Epilepsy progressive myoclonic 2; Progressive Myoclonus Epilepsy, Lafora Type. Identifiers: Orphanet 501, MedGen C0751783, MONDO:0009697.

Allele frequency attached by ClinVar (database versions not stated): gnomAD exomes below 0.00001.
gnomAD v4.1: 5 of 1,614,106 alleles (0.00031%); highest among the groups gnomAD compares: Middle Eastern, 0.033%; no homozygotes.

Submission:

Labcorp Genetics (formerly Invitae), Labcorp
Classification: Uncertain significance for Lafora disease. Last evaluated: 2019-06-04. Review status: criteria provided, single submitter. Criteria: Invitae Variant Classification Sherloc (09022015). Collection method: clinical testing. Allele origin: germline.
Comment: This variant has not been reported in the literature in individuals with NHLRC1-related conditions. This variant is not present in population databases (ExAC no frequency). Algorithms developed to predict the effect of missense changes on protein structure and function (SIFT, PolyPhen-2, Align-GVGD) all suggest that this variant is likely to be tolerated, but these predictions have not been confirmed by published functional studies and their clinical significance is uncertain. In summary, the available evidence is currently insufficient to determine the role of this variant in disease. Therefore, it has been classified as a Variant of Uncertain Significance. This sequence change replaces alanine with serine at codon 259 of the NHLRC1 protein (p.Ala259Ser). The alanine residue is moderately conserved and there is a moderate physicochemical difference between alanine and serine.

NM_198586.3(NHLRC1):c.775G>T (p.Ala259Ser)

Gene: NHLRC1 (NHL repeat containing E3 ubiquitin protein ligase 1; minus strand). Cytogenetic location: 6p22.3.
Variant type: single nucleotide variant.
Coding change: c.775G>T on transcript NM_198586.3 (MANE Select); coding-DNA position 775, G replaced by T.
Protein change: p.Ala259Ser; replaces alanine 259 with serine.
Molecular consequence: missense variant.
Genome position (GRCh38, 1-based): chr6:18,121,832, C>A on the plus strand (G>T on the coding strand, the complement: NHLRC1 is on the minus strand). VCF-style: chr6-18121832-C-A. GRCh37 (hg19) VCF-style: chr6-18122063-C-A.
Other names: short protein forms A259S.
Identifiers: ClinVar variation 858527 (VCV000858527.10), dbSNP rs1783740022, ClinGen allele CA362826141.